The following is an entry in ClinVar:

ClinVar aggregate classification (germline): Uncertain significance (1 of 4 stars; one submission).

Conditions:
Developmental and epileptic encephalopathy, 53. Also called: Epileptic encephalopathy, early infantile, 53. Identifiers: MedGen C4479313, MONDO:0033362, OMIM 617389.
Early-onset Parkinson disease 20. Also called: PARKINSON DISEASE 20, AUTOSOMAL RECESSIVE EARLY-ONSET. Identifiers: Orphanet 391411, MedGen C3809824, MONDO:0014233, OMIM 615530.

gnomAD v4.1: 1 of 1,588,428 alleles (0.000063%); highest among the groups gnomAD compares: Admixed American, 0.0018%; no homozygotes.

Submission:

Labcorp Genetics (formerly Invitae), Labcorp
Classification: Uncertain significance for Developmental and epileptic encephalopathy, 53; Early-onset Parkinson disease 20. Last evaluated: 2025-02-24. Review status: criteria provided, single submitter. Criteria: Invitae Variant Classification Sherloc (09022015). Collection method: clinical testing. Allele origin: germline.
Comment: This sequence change falls in intron 31 of the SYNJ1 gene. It does not directly change the encoded amino acid sequence of the SYNJ1 protein. It affects a nucleotide within the consensus splice site. This variant is present in population databases (no rsID available, gnomAD 0.003%). This variant has not been reported in the literature in individuals affected with SYNJ1-related conditions. ClinVar contains an entry for this variant (Variation ID: 854383). Variants that disrupt the consensus splice site are a relatively common cause of aberrant splicing (PMID: 17576681, 9536098). Algorithms developed to predict the effect of sequence changes on RNA splicing suggest that this variant may disrupt the consensus splice site. In summary, the available evidence is currently insufficient to determine the role of this variant in disease. Therefore, it has been classified as a Variant of Uncertain Significance.

Literature cited by the submitters: PubMed 17576681; PubMed 9536098.

NM_203446.3(SYNJ1):c.3915+5G>A

Gene: SYNJ1 (synaptojanin 1; minus strand). Cytogenetic location: 21q22.11.
Variant type: single nucleotide variant.
Coding change: c.3915+5G>A on transcript NM_203446.3 (MANE Select); 5 bases into the intron after coding-DNA position 3915, G replaced by A.
Molecular consequence: intron variant.
Genome position (GRCh38, 1-based): chr21:32,638,903, C>T on the plus strand (G>A on the coding strand, the complement: SYNJ1 is on the minus strand). VCF-style: chr21-32638903-C-T. GRCh37 (hg19) VCF-style: chr21-34011213-C-T.
Other names: c.4032+5G>A (NM_003895.4); c.3867+5G>A (NM_001160302.2); c.3774+5G>A (NM_001160306.2).
Identifiers: ClinVar variation 854383 (VCV000854383.8), dbSNP rs61750220, ClinGen allele CA638052270.